The following is an entry in ClinVar:

ClinVar aggregate classification (germline): Benign/Likely benign. Review status: criteria provided, multiple submitters, no conflicts (2 of 4 stars). 3 submissions from 3 submitters: Benign (1); Likely benign (2). Last evaluated 2025-08-11.

Conditions:
Hereditary cancer-predisposing syndrome. Also called: Tumor predisposition; Hereditary Cancer Syndrome; Neoplastic Syndromes, Hereditary; Hereditary neoplastic syndrome. Identifiers: Orphanet 140162, MedGen C0027672, MeSH D009386, MONDO:0015356.
Hereditary diffuse gastric adenocarcinoma (HDGC). Also called: DIFFUSE GASTRIC AND LOBULAR BREAST CANCER SYNDROME. Identifiers: Orphanet 26106, MedGen C1708349, MONDO:0007648, OMIM 137215.

Allele frequency attached by ClinVar (database versions not stated): TOPMed below 0.00001.

Submissions (3):

Labcorp Genetics (formerly Invitae), Labcorp
Classification: Likely benign for Hereditary diffuse gastric adenocarcinoma. Last evaluated: 2025-08-11. Review status: criteria provided, single submitter. Criteria: Invitae Variant Classification Sherloc (09022015). Collection method: clinical testing. Allele origin: germline.

Myriad Genetics, Inc.
Classification: Benign for Hereditary diffuse gastric adenocarcinoma. Last evaluated: 2024-09-18. Review status: criteria provided, single submitter. Criteria: Myriad Autosomal Dominant, Autosomal Recessive and X-Linked Classification Criteria (2023). Collection method: clinical testing. Allele origin: unknown.
Comment: This variant is considered benign. This variant is a silent/synonymous amino acid change and it is not expected to impact splicing.

Ambry Genetics
Classification: Likely benign for Hereditary cancer-predisposing syndrome. Last evaluated: 2020-12-21. Review status: criteria provided, single submitter. Criteria: Ambry Variant Classification Scheme 2023. Collection method: clinical testing. Allele origin: germline.

NM_004360.5(CDH1):c.1186C>T (p.Leu396=)

Gene: CDH1 (cadherin 1; plus strand). Cytogenetic location: 16q22.1.
Variant type: single nucleotide variant.
Coding change: c.1186C>T on transcript NM_004360.5 (MANE Select); coding-DNA position 1186, C replaced by T.
Protein change: p.Leu396=; no amino-acid change (leucine 396 retained).
Molecular consequence: synonymous variant. On other transcripts: 5 prime UTR variant (2), intron variant (1).
Genome position (GRCh38, 1-based): chr16:68,813,361, C>T. VCF-style: chr16-68813361-C-T. GRCh37 (hg19) VCF-style: chr16-68847264-C-T.
Other names: c.-430C>T (NM_001317185.2); c.-634C>T (NM_001317186.2); c.1137+1098C>T (NM_001317184.2).
Identifiers: ClinVar variation 751190 (VCV000751190.11), dbSNP rs1597895834, ClinGen allele CA496392604.
Genomic context (GRCh38, chr16:68,813,361, plus strand): 5'-TTTGCTCTGCAGTACAAGGGTCAGGTGCCTGAGAACGAGGCTAACGTCGTAATCACCACA[C>T]TGAAAGTGACTGATGCTGATGCCCCCAATACCCCAGCGTGGGAGGCTGTATACACCATAT-3'
Protein context (NP_004351.1, residues 386-406): ENEANVVITT[Leu396=]KVTDADAPNT